The following is an entry in ClinVar:

NM_002458.3(MUC5B):c.3102C>T (p.Ile1034=)

Gene: MUC5B (mucin 5B, oligomeric mucus/gel-forming; plus strand). Cytogenetic location: 11p15.5.
Variant type: single nucleotide variant.
Coding change: c.3102C>T on transcript NM_002458.3 (MANE Select); coding-DNA position 3102, C replaced by T.
Protein change: p.Ile1034=; no amino-acid change (isoleucine 1034 retained).
Molecular consequence: synonymous variant.
Genome position (GRCh38, 1-based): chr11:1,236,969, C>T. VCF-style: chr11-1236969-C-T. GRCh37 (hg19) VCF-style: chr11-1258199-C-T.
Identifiers: ClinVar variation 4871934 (VCV004871934.2).

ClinVar aggregate classification (germline): Uncertain significance (1 of 4 stars; one submission).

Submission:

CeGaT Center for Human Genetics Tuebingen
Classification: Uncertain significance. Last evaluated: 2026-04-01. Review status: criteria provided, single submitter. Criteria: CeGaT Center For Human Genetics Tuebingen Variant Classification Criteria Version 2. Collection method: clinical testing. Allele origin: germline. Affected: yes. Observed: 1 variant allele.
Comment: MUC5B: PM2